The following is an entry in ClinVar:

ClinVar aggregate classification (germline): Pathogenic. Review status: criteria provided, single submitter (1 of 4 stars). 2 submissions from 2 submitters: Pathogenic (1). 1 of the submissions does not count toward it. Last evaluated 2022-01-17.

Conditions:
Intellectual developmental disorder, autosomal recessive 61. Also called: ALWADEI SYNDROME; MENTAL RETARDATION, AUTOSOMAL RECESSIVE 61; Intellectual disability, autosomal recessive 61. Identifiers: MedGen C4540424, MONDO:0030915, OMIM 617773.

Submissions (2):

Labcorp Genetics (formerly Invitae), Labcorp
Classification: Pathogenic. Last evaluated: 2022-01-17. Review status: criteria provided, single submitter. Criteria: Invitae Variant Classification Sherloc (09022015). Collection method: clinical testing. Allele origin: germline.
Comment: For these reasons, this variant has been classified as Pathogenic. ClinVar contains an entry for this variant (Variation ID: 446385). This premature translational stop signal has been observed in individual(s) with clinical features of RUSC2-related conditions (PMID: 27612186). This variant is not present in population databases (gnomAD no frequency). This sequence change creates a premature translational stop signal (p.Arg866*) in the RUSC2 gene. It is expected to result in an absent or disrupted protein product. Loss-of-function variants in RUSC2 are known to be pathogenic (PMID: 27612186).

OMIM
Classification: Pathogenic for INTELLECTUAL DEVELOPMENTAL DISORDER, AUTOSOMAL RECESSIVE 61. Last evaluated: 2022-04-07. Review status: no assertion criteria provided. Collection method: literature only. Allele origin: germline. Not counted in ClinVar's aggregate classification.

Literature cited by the submitters: PubMed 27612186 (cited by Labcorp Genetics (formerly Invitae), Labcorp and OMIM).

NM_014806.5(RUSC2):c.2596C>T (p.Arg866Ter)

Gene: RUSC2 (RUN and SH3 domain containing 2; plus strand). Cytogenetic location: 9p13.3.
Variant type: single nucleotide variant.
Coding change: c.2596C>T on transcript NM_014806.5 (MANE Select); coding-DNA position 2596, C replaced by T.
Protein change: p.Arg866Ter; replaces arginine 866 with a stop codon.
Molecular consequence: nonsense. On other transcripts: 5 prime UTR variant (1), non-coding transcript variant (1).
Genome position (GRCh38, 1-based): chr9:35,555,641, C>T. VCF-style: chr9-35555641-C-T. GRCh37 (hg19) VCF-style: chr9-35555638-C-T.
Other names: c.2596C>T, p.Arg866Ter (NM_001135999.2); c.-39C>T (NM_001330740.2); short protein forms R866*.
Identifiers: ClinVar variation 446385 (VCV000446385.7), dbSNP rs1402086660, ClinGen allele CA373342745.